The following is an entry in ClinVar:

NM_000543.5(SMPD1):c.533T>A (p.Ile178Asn)

Gene: SMPD1 (sphingomyelin phosphodiesterase 1; plus strand). Cytogenetic location: 11p15.4.
Variant type: single nucleotide variant.
Coding change: c.533T>A on transcript NM_000543.5 (MANE Select); coding-DNA position 533, T replaced by A.
Protein change: p.Ile178Asn; replaces isoleucine 178 with asparagine.
Molecular consequence: missense variant. On other transcripts: 5 prime UTR variant (1), non-coding transcript variant (1).
Genome position (GRCh38, 1-based): chr11:6,391,598, T>A. VCF-style: chr11-6391598-T-A. GRCh37 (hg19) VCF-style: chr11-6412828-T-A.
Other names: c.530T>A, p.Ile177Asn (NM_001007593.3); c.533T>A, p.Ile178Asn (NM_001318087.2, NM_001365135.2); c.-429T>A (NM_001318088.2); short protein forms I178N, I177N.
Identifiers: ClinVar variation 552601 (VCV000552601.25), dbSNP rs749780769, ClinGen allele CA5852620.

ClinVar aggregate classification (germline): Likely pathogenic. Review status: criteria provided, multiple submitters, no conflicts (2 of 4 stars). 10 submissions from 10 submitters: Likely pathogenic (7). 3 of the submissions do not count toward it. Last evaluated 2026-09-01.

Conditions:
Acid sphingomyelinase deficiency. Identifiers: Orphanet 618899, MedGen C5243927, MONDO:0100464.
Niemann-Pick disease, type A. Also called: SPHINGOMYELIN LIPIDOSIS; SPHINGOMYELINASE DEFICIENCY; Infantile Neurovisceral ASMD (Niemann-Pick Disease Type A; NPD-A). Identifiers: Orphanet 77292, MedGen C0268242, MONDO:0009756, OMIM 257200. Disease mechanism: loss of function.
Niemann-Pick disease, type B. Also called: Chronic Visceral ASMD (Niemann-Pick Disease Type B; NPD-B). Identifiers: Orphanet 77293, MedGen C0268243, MONDO:0011871, OMIM 607616. Disease mechanism: loss of function.
Sphingomyelin/cholesterol lipidosis. Also called: Niemann-Pick disease. Identifiers: MedGen C0028064, MONDO:0001982.

Allele frequency attached by ClinVar (database versions not stated): gnomAD 0.00003 and 0.00004; gnomAD exomes 0.00003 and 0.00004; TOPMed 0.00003; ExAC 0.00006.

Submissions (10):

CeGaT Center for Human Genetics Tuebingen
Classification: Likely pathogenic. Last evaluated: 2026-09-01. Review status: criteria provided, single submitter. Criteria: CeGaT Center For Human Genetics Tuebingen Variant Classification Criteria Version 2. Collection method: clinical testing. Allele origin: germline. Affected: yes. Observed: 1 variant allele.
Comment: SMPD1: PM2, PM3, PP4:Moderate

Myriad Genetics, Inc.
Classification: Likely pathogenic for Acid sphingomyelinase deficiency. Last evaluated: 2026-08-28. Review status: criteria provided, single submitter. Criteria: Myriad Autosomal Dominant, Autosomal Recessive and X-Linked Classification Criteria (2023). Collection method: clinical testing. Allele origin: unknown.
Comment: NM_000543.4(SMPD1):c.533T>A(I178N) is a missense variant classified as likely pathogenic in the context of Niemann-Pick disease, SMPD1-related. I178N has been observed in cases with relevant disease (PMID: 16472269, 26499107, 38992987, 3917706, 40106870, Canda_2018_(Article)). Relevant functional assessments of this variant are not available in the literature. I178N has been observed in referenced population frequency databases. In summary, NM_000543.4(SMPD1):c.533T>A(I178N) is a missense variant that has been observed more frequently in cases with the relevant disease than in healthy populations. Please note: this variant was assessed in the context of healthy population screening.

Women's Health and Genetics/Laboratory Corporation of America, LabCorp
Classification: Likely pathogenic for Sphingomyelin/cholesterol lipidosis. Last evaluated: 2026-05-27. Review status: criteria provided, single submitter. Criteria: LabCorp Variant Classification Summary - May 2015. Collection method: clinical testing. Allele origin: germline.
Comment: Variant summary: SMPD1 c.533T>A (p.Ile178Asn) results in a non-conservative amino acid change in the encoded protein sequence. Algorithms developed to predict the effect of missense changes on protein structure and function all suggest that this variant is likely to be disruptive. The variant allele was found at a frequency of 3e-05 in 234460 control chromosomes. c.533T>A has been observed in multiple individual affected with Niemann-Pick Disease (Mussig_2006, Harzer_2003, Zampieri_2016, Hickey_2024, Eskes_2025). These data indicate that the variant is likely to be associated with disease. To our knowledge, no experimental evidence demonstrating an impact on protein function has been reported. The following publications have been ascertained in the context of this evaluation (PMID: 39177062, 14681755, 38992987, 16472269, 26499107, 27725636). ClinVar contains an entry for this variant (Variation ID: 552601). Based on the evidence outlined above, the variant was classified as likely pathogenic.

Dasa
Classification: Likely pathogenic. Last evaluated: 2026-02-26. Review status: criteria provided, single submitter. Criteria: DASA Assertion Criteria. Collection method: clinical testing. Allele origin: germline.
Comment: NM_000543.5(SMPD1):c.533T>A (p.Ile178Asn) is a missense variant that results in the substitution of isoleucine with asparagine. This variant has been recurrently observed in individuals with SMPD1-related disorders (PMID: 39177062; PMID: 16472269). Also, this variant is rare in population databases. Computational evidence supports a deleterious effect. Based on the currently available evidence, this variant is classified as likely pathogenic.

Labcorp Genetics (formerly Invitae), Labcorp
Classification: Likely pathogenic for Niemann-Pick disease, type B; Niemann-Pick disease, type A. Last evaluated: 2025-11-04. Review status: criteria provided, single submitter. Criteria: Invitae Variant Classification Sherloc (09022015). Collection method: clinical testing. Allele origin: germline.
Comment: This sequence change replaces isoleucine, which is neutral and non-polar, with asparagine, which is neutral and polar, at codon 178 of the SMPD1 protein (p.Ile178Asn). This variant is present in population databases (rs749780769, gnomAD 0.007%). This missense change has been observed in individual(s) with acid sphingomyelinase deficiency (PMID: 16472269, 38992987). In at least one individual the data is consistent with being in trans (on the opposite chromosome) from a pathogenic variant. This variant is also known as p.I176N. ClinVar contains an entry for this variant (Variation ID: 552601). Invitae Evidence Modeling of protein sequence and biophysical properties (such as structural, functional, and spatial information, amino acid conservation, physicochemical variation, residue mobility, and thermodynamic stability) has been performed for this missense variant. However, the output from this modeling did not meet the statistical confidence thresholds required to predict the impact of this variant on SMPD1 protein function. In summary, the currently available evidence indicates that the variant is pathogenic, but additional data are needed to prove that conclusively. Therefore, this variant has been classified as Likely Pathogenic.

Natera, Inc.
Classification: Likely pathogenic for Niemann-Pick Disease, Types A/B. Last evaluated: 2025-10-21. Review status: criteria provided, single submitter. Criteria: Natera Variant Classification Schema (03/2026). Collection method: clinical testing. Allele origin: germline.
Comment: The c.533T>A variant in SMPD1 is a missense variant predicted to cause substitution of isoleucine to asparagine at amino acid 178. This variant is rare in the general population with a frequency below the threshold expected for the associated phenotype(s). This variant has been observed in one or more individuals affected with the associated recessive disease, as either homozygous or compound heterozygous with a second variant (PMID: 38992987). This variant has been identified in one or more affected individuals with a phenotype highly consistent with the associated gene (PMID:38992987). Computational prediction algorithms indicate this variant is likely to affect gene or protein function. Given the available evidence, this variant is classified as Likely Pathogenic.

Baylor Genetics
Classification: Likely pathogenic for Niemann-Pick disease, type A. Last evaluated: 2024-03-07. Review status: criteria provided, single submitter. Criteria: ACMG Guidelines, 2015. Collection method: clinical testing. Allele origin: unknown.

Department of Pathology and Laboratory Medicine, Sinai Health System
Classification: Uncertain significance for Niemann-Pick disease, type A; Niemann-Pick disease, type B. Last evaluated: 2023-04-17. Review status: flagged submission. Criteria: ACMG Guidelines, 2015. Collection method: research. Allele origin: germline. Not counted in ClinVar's aggregate classification.
ClinVar note: Reason: Outlier claim with insufficient supporting evidence

Eurofins Ntd Llc (ga)
Classification: Uncertain significance. Last evaluated: 2018-08-15. Review status: flagged submission. Criteria: EGL ClinVar v180209 classification definitions. Collection method: clinical testing. Allele origin: germline. Observed: 1 variant allele, 1 heterozygote. Not counted in ClinVar's aggregate classification.
ClinVar note: Reason: Older claim that does not account for recent evidence

Counsyl
Classification: Uncertain significance for Niemann-Pick disease, type A. Last evaluated: 2017-06-22. Review status: flagged submission. Collection method: clinical testing. Allele origin: unknown. Not counted in ClinVar's aggregate classification.
ClinVar note: Reason: Older claim that does not account for recent evidence

Literature cited by the submitters: PubMed 26499107 (cited by Women's Health and Genetics/Laboratory Corporation of America, LabCorp and Counsyl); PubMed 27725636 (cited by Women's Health and Genetics/Laboratory Corporation of America, LabCorp); PubMed 14681755 (cited by Women's Health and Genetics/Laboratory Corporation of America, LabCorp); PubMed 16472269 (cited by 4 submitters); PubMed 38992987 (cited by 3 submitters); PubMed 39177062 (cited by Women's Health and Genetics/Laboratory Corporation of America, LabCorp and Dasa).